The following is an entry in ClinVar:

NM_000338.3(SLC12A1):c.281A>G (p.Asn94Ser)

Gene: SLC12A1 (solute carrier family 12 member 1; plus strand). Cytogenetic location: 15q21.1.
Variant type: single nucleotide variant.
Coding change: c.281A>G on transcript NM_000338.3 (MANE Select); coding-DNA position 281, A replaced by G.
Protein change: p.Asn94Ser; replaces asparagine 94 with serine.
Molecular consequence: missense variant.
Genome position (GRCh38, 1-based): chr15:48,208,000, A>G. VCF-style: chr15-48208000-A-G. GRCh37 (hg19) VCF-style: chr15-48500197-A-G.
Other names: c.281A>G, p.Asn94Ser (NM_001184832.2, NM_001384136.1); short protein forms N94S.
Identifiers: ClinVar variation 1441345 (VCV001441345.8), dbSNP rs765803097, ClinGen allele CA7546715.
Genomic context (GRCh38, chr15:48,208,000, plus strand): 5'-TCCAAAGTGGAGAAACTGCTAAAACAGATGCCAGTTTTCACGCTTATGATTCTCACACAA[A>G]CACATACTATCTACAAACTTTTGGCCACAACACCATGGATGCCGTTCCCAAGATAGAGTA-3'
Protein context (NP_000329.2, residues 84-104): ASFHAYDSHT[Asn94Ser]TYYLQTFGHN

ClinVar aggregate classification (germline): Uncertain significance (1 of 4 stars; one submission).

Allele frequency attached by ClinVar (database versions not stated): TOPMed below 0.00001; ExAC 0.00001; gnomAD 0.00001.

Submission:

Labcorp Genetics (formerly Invitae), Labcorp
Classification: Uncertain significance. Last evaluated: 2021-07-03. Review status: criteria provided, single submitter. Criteria: Invitae Variant Classification Sherloc (09022015). Collection method: clinical testing. Allele origin: germline.
Comment: In summary, the available evidence is currently insufficient to determine the role of this variant in disease. Therefore, it has been classified as a Variant of Uncertain Significance. This sequence change replaces asparagine with serine at codon 94 of the SLC12A1 protein (p.Asn94Ser). The asparagine residue is weakly conserved and there is a small physicochemical difference between asparagine and serine. This variant is present in population databases (rs765803097, ExAC 0.001%). This variant has not been reported in the literature in individuals affected with SLC12A1-related conditions. Algorithms developed to predict the effect of missense changes on protein structure and function (SIFT, PolyPhen-2, Align-GVGD) all suggest that this variant is likely to be tolerated.